The following is an entry in ClinVar:

NM_002016.2(FLG):c.2781G>A (p.Gln927=)

Genes: CCDST (cervical cancer associated DHX9 suppressive transcript; plus strand), FLG (filaggrin; minus strand). Cytogenetic location: 1q21.3.
Variant type: single nucleotide variant.
Coding change: c.2781G>A on transcript NM_002016.2 (MANE Select); coding-DNA position 2781, G replaced by A.
Protein change: p.Gln927=; no amino-acid change (glutamine 927 retained).
Molecular consequence: synonymous variant.
Genome position (GRCh38, 1-based): chr1:152,312,105, C>T on the plus strand (G>A on the coding strand, the complement: FLG is on the minus strand). VCF-style: chr1-152312105-C-T. GRCh37 (hg19) VCF-style: chr1-152284581-C-T.
Identifiers: ClinVar variation 3772476 (VCV003772476.13).

ClinVar aggregate classification (germline): Likely benign (1 of 4 stars; one submission).

gnomAD v4.1: 2 of 1,614,112 alleles (0.00012%); highest among the groups gnomAD compares: South Asian, 0.0011%; no homozygotes.

Submission:

CeGaT Center for Human Genetics Tuebingen
Classification: Likely benign. Last evaluated: 2025-02-01. Review status: criteria provided, single submitter. Criteria: CeGaT Center For Human Genetics Tuebingen Variant Classification Criteria Version 2. Collection method: clinical testing. Allele origin: germline. Affected: yes. Observed: 1 variant allele.
Comment: FLG: BP4, BP7